The following is an entry in ClinVar:

ClinVar aggregate classification (germline): Pathogenic/Likely pathogenic. Review status: criteria provided, multiple submitters, no conflicts (2 of 4 stars). 9 submissions from 9 submitters: Pathogenic (7); Likely pathogenic (1). 1 of the submissions does not count toward it. Last evaluated 2026-10-07.

Conditions:
Myofibrillar myopathy 8. Identifiers: MedGen C4310645, MONDO:0014993, OMIM 617258.
PYROXD1-related disorder. Also called: PYROXD1-related condition.

Allele frequency attached by ClinVar (database versions not stated): gnomAD 0.00009 and 0.00010; gnomAD exomes 0.00021 and 0.00009; ESP Exome Variant Server 0.00008; ExAC 0.00004; TOPMed 0.00011.
gnomAD v4.1: 307 of 1,581,730 alleles (0.019%); highest among the groups gnomAD compares: Non-Finnish European, 0.025%; no homozygotes.

Submissions (9):

GeneDx
Classification: Pathogenic. Last evaluated: 2026-10-07. Review status: criteria provided, single submitter. Criteria: GeneDx Variant Classification Process June 2021. Collection method: clinical testing. Allele origin: germline.
Comment: Canonical splice site variant predicted to result in an in-frame loss of the adjacent exon in a gene for which loss of function is a known mechanism of disease; This variant is associated with the following publications: (PMID: 27745833, 31455395, 32528171, 33333461, 34694888, 39973409, 38544359)

PreventionGenetics, part of Exact Sciences
Classification: Pathogenic for PYROXD1-related condition. Last evaluated: 2026-06-01. Review status: criteria provided, single submitter. Criteria: ACMG Guidelines, 2015. Collection method: clinical testing. Allele origin: germline.
Comment: The PYROXD1 c.285+1G>A variant is predicted to disrupt the GT donor site and interfere with normal splicing. This variant has been reported in the compound heterozygous state in many individuals with features of a PYROXD1-related myopathy (Table S2, O'Grady et al. 2016. PubMed ID: 27745833; Supp. Table 1, Lornage et al. 2019. PubMed ID: 31455395; Table S2, Töpf et al. 2020. PubMed ID: 32528171; Table 1, Natera-de Benito et al. 2020. PubMed ID: 33333461; Supp. Table 1, Marchant et al. 2024. PubMed ID: 38544359). This variant is reported in 0.016% of alleles in individuals of Latino descent in gnomAD. Variants that disrupt the consensus splice donor site in PYROXD1 are expected to be pathogenic. This variant is interpreted as pathogenic.

Women's Health and Genetics/Laboratory Corporation of America, LabCorp
Classification: Pathogenic for Myofibrillar myopathy 8. Last evaluated: 2025-11-25. Review status: criteria provided, single submitter. Criteria: LabCorp Variant Classification Summary - May 2015. Collection method: clinical testing. Allele origin: germline.
Comment: Variant summary: PYROXD1 c.285+1G>A is located in a canonical splice-site and is predicted to affect mRNA splicing resulting in a significantly altered protein due to either exon skipping, shortening, or inclusion of intronic material. Variants that disrupt the consensus splice site are a relatively common cause of aberrant splicing and loss of PYROXD1 function. Several computational tools predict a significant impact on normal splicing: Four predict the variant abolishes a 5' splicing donor site. At least one publication reports experimental evidence that this variant affects mRNA splicing and results in skipping of exon 3 (O'Grady_2016). The variant allele was found at a frequency of 8.6e-05 in 219878 control chromosomes. This frequency is not significantly higher than estimated for disease-causing variants in PYROXD1, allowing no conclusion about variant significance. c.285+1G>A has been observed in individuals affected with Myofibrillar Myopathy 8 (O'Grady_2016, Lornage_2019). These data indicate that the variant is very likely to be associated with disease. The following publications have been ascertained in the context of this evaluation (PMID: 31455395, 27745833). ClinVar contains an entry for this variant (Variation ID: 372278). Based on the evidence outlined above, the variant was classified as pathogenic.

Labcorp Genetics (formerly Invitae), Labcorp
Classification: Pathogenic. Last evaluated: 2025-08-18. Review status: criteria provided, single submitter. Criteria: Invitae Variant Classification Sherloc (09022015). Collection method: clinical testing. Allele origin: germline.
Comment: This sequence change affects a donor splice site in intron 3 of the PYROXD1 gene. RNA analysis indicates that disruption of this splice site induces altered splicing and likely results in a shortened protein product. This variant is present in population databases (rs369083786, gnomAD 0.02%). Disruption of this splice site has been observed in individual(s) with early-onset myopathy (PMID: 27745833, 31455395). In at least one individual the data is consistent with being in trans (on the opposite chromosome) from a pathogenic variant. It has also been observed to segregate with disease in related individuals. ClinVar contains an entry for this variant (Variation ID: 372278). Studies have shown that disruption of this splice site results in skipping of exon 3, but is expected to preserve the integrity of the reading-frame (PMID: 27745833). For these reasons, this variant has been classified as Pathogenic.

Dasa
Classification: Pathogenic. Last evaluated: 2025-06-23. Review status: criteria provided, single submitter. Criteria: DASA Assertion Criteria. Collection method: clinical testing. Allele origin: germline.
Comment: NM_024854.5(PYROXD1):c.285+1G>A affects a canonical splice site and is predicted to disrupt normal RNA splicing. Loss of function is an established disease mechanism for PYROXD1-associated disorders. This variant has been recurrently observed in individuals with PYROXD1-related disorders (PMID: 27745833; PMID: 33333461; PMID: 32528171). Also, this variant is rare in population databases. Based on the currently available evidence, this variant is classified as pathogenic.

Blueprint Genetics
Classification: Pathogenic for PYROXD1-related disorders. Last evaluated: 2024-09-24. Review status: criteria provided, single submitter. Criteria: ACMG Guidelines, 2015. Collection method: clinical testing. Allele origin: germline. Affected: yes. Observed: 5 variant alleles.

Broad Center for Mendelian Genomics, Broad Institute of MIT and Harvard
Classification: Likely pathogenic for Myofibrillar myopathy 8. Last evaluated: 2023-05-02. Review status: criteria provided, single submitter. Criteria: ACMG Guidelines, 2015. Collection method: curation. Allele origin: germline. Inheritance: Autosomal recessive inheritance.
Comment: Trio exome analysis revealed that this variant was in trans with a variant of uncertain significance (NC_000012.12:g.21461062T>G). The c.285+1G>A variant in PYROXD1 has been reported in six individuals with myofibrillar myopathy 8 (PMID: 27745833, PMID: 33333461, PMID: 32528171), but has been identified in 0.02% (4/25598) of Latino/Admixed American chromosomes by the Genome Aggregation Database (gnomAD; dbSNP ID: rs369083786). Although this variant has been seen in the general population in a heterozygous state, its frequency is not high enough to rule out a pathogenic role. This variant has also been reported in ClinVar (Variation ID: 372278) and has been interpreted as pathogenic by Invitae, Baylor Genetics, and OMIM, and as likely pathogenic by GeneDx. RT-PCR analysis performed on affected muscle tissue showed evidence of exon skipping of exon 3 (PMID: 27745833). Exon 3 (NM_024854.5) is in-frame with 120 nucleotides (40 codons). This variant is located in the 5' splice region. Computational tools predict a splicing impact, though this information is not predictive enough to determine pathogenicity. Loss of function of the PYROXD1 gene is an established disease mechanism in autosomal recessive myofibrillar myopathy 8. In summary, although additional studies are required to fully establish its clinical significance, this variant is likely pathogenic for autosomal recessive myofibrillar myopathy 8. ACMG/AMP Criteria applied: PVS1_Moderate, PM3_Strong, PS3_Moderate (Richards 2015).

Baylor Genetics
Classification: Pathogenic for Myofibrillar myopathy 8. Last evaluated: 2019-01-23. Review status: criteria provided, single submitter. Criteria: ACMG Guidelines, 2015. Collection method: clinical testing. Allele origin: maternal. Affected: yes.
Comment: This variant was determined to be pathogenic according to ACMG Guidelines, 2015 [PMID:25741868].

OMIM
Classification: Pathogenic for MYOPATHY, MYOFIBRILLAR, 8. Last evaluated: 2016-12-19. Review status: no assertion criteria provided. Collection method: literature only. Allele origin: germline. Not counted in ClinVar's aggregate classification.

Literature cited by the submitters: PubMed 31455395 (cited by 3 submitters); PubMed 27745833 (cited by 4 submitters); PubMed 33333461 (cited by Dasa); PubMed 32528171 (cited by Dasa).

NM_024854.5(PYROXD1):c.285+1G>A

Gene: PYROXD1 (pyridine nucleotide-disulphide oxidoreductase domain 1; plus strand). Cytogenetic location: 12p12.1.
Variant type: single nucleotide variant.
Coding change: c.285+1G>A on transcript NM_024854.5 (MANE Select); the canonical splice donor site of the intron after coding-DNA position 285, G replaced by A.
Molecular consequence: splice donor variant.
Genome position (GRCh38, 1-based): chr12:21,445,467, G>A. VCF-style: chr12-21445467-G-A. GRCh37 (hg19) VCF-style: chr12-21598401-G-A.
Other names: IVS3DS, G-A, +1; c.-419+1G>A (NM_001350913.2); c.72+1G>A (NM_001350912.2).
Identifiers: ClinVar variation 372278 (VCV000372278.21), dbSNP rs369083786, ClinGen allele CA6478154.
Genomic context (GRCh38, chr12:21,445,467, plus strand): 5'-CGCTTTCCCAACATTAAGGTTATAGAATCTGGCGTAAAGCAACTGAAGAGTGAAGAACAC[G>A]TAAGATAATTGTTTTCTTAATAACATTTTCCATTGTTGAATCTTGATGAAGTTTTGCCTG-3'